The following is an entry in ClinVar:

ClinVar aggregate classification (germline): Uncertain significance (1 of 4 stars; one submission).

Allele frequency attached by ClinVar (database versions not stated): TOPMed below 0.00001.
gnomAD v4.1: 1 of 1,613,516 alleles (0.000062%); no homozygotes.

Submission:

GeneDx
Classification: Uncertain significance. Last evaluated: 2022-06-17. Review status: criteria provided, single submitter. Criteria: GeneDx Variant Classification Process June 2021. Collection method: clinical testing. Allele origin: germline. Affected: yes.
Comment: Not observed at significant frequency in large population cohorts (gnomAD); Missense variant in a gene in which most reported pathogenic variants are truncating/loss of function; Has not been previously published as pathogenic or benign to our knowledge; In silico analysis supports that this missense variant does not alter protein structure/function; This variant is associated with the following publications: (PMID: 23975875)

NM_001267550.2(TTN):c.61967C>A (p.Thr20656Lys)

Genes: TTN (titin; minus strand), TTN-AS1 (TTN antisense RNA 1; plus strand). Cytogenetic location: 2q31.2.
Variant type: single nucleotide variant.
Coding change: c.61967C>A on transcript NM_001267550.2 (MANE Select); coding-DNA position 61967, C replaced by A.
Protein change: p.Thr20656Lys; replaces threonine 20656 with lysine.
Molecular consequence: missense variant.
Genome position (GRCh38, 1-based): chr2:178,589,758, G>T on the plus strand (C>A on the coding strand, the complement: TTN is on the minus strand). VCF-style: chr2-178589758-G-T. GRCh37 (hg19) VCF-style: chr2-179454485-G-T.
Other names: c.57044C>A, p.Thr19015Lys (NM_001256850.1); c.34772C>A, p.Thr11591Lys (NM_003319.4); c.54263C>A, p.Thr18088Lys (NM_133378.4); c.35147C>A, p.Thr11716Lys (NM_133432.3); c.35348C>A, p.Thr11783Lys (NM_133437.4); short protein forms T11591K, T11716K, T11783K, T18088K, T19015K, T20656K.
Identifiers: ClinVar variation 1804369 (VCV001804369.1), dbSNP rs1363633199, ClinGen allele CA349466991.